The following is an entry in ClinVar:

NM_006206.6(PDGFRA):c.960C>T (p.Thr320=)

Gene: PDGFRA (platelet derived growth factor receptor alpha; plus strand). Cytogenetic location: 4q12.
Variant type: single nucleotide variant.
Coding change: c.960C>T on transcript NM_006206.6 (MANE Select); coding-DNA position 960, C replaced by T.
Protein change: p.Thr320=; no amino-acid change (threonine 320 retained).
Molecular consequence: synonymous variant.
Genome position (GRCh38, 1-based): chr4:54,267,580, C>T. VCF-style: chr4-54267580-C-T. GRCh37 (hg19) VCF-style: chr4-55133747-C-T.
Other names: c.960C>T, p.Thr320= (NM_001347827.2, NM_001347829.2); c.1035C>T, p.Thr345= (NM_001347828.2); c.999C>T, p.Thr333= (NM_001347830.2).
Identifiers: ClinVar variation 1618680 (VCV001618680.9), dbSNP rs1269478704, ClinGen allele CA439286709.

ClinVar aggregate classification (germline): Benign/Likely benign. Review status: criteria provided, multiple submitters, no conflicts (2 of 4 stars). 2 submissions from 2 submitters: Benign (1); Likely benign (1). Last evaluated 2026-06-16.

Conditions:
Gastrointestinal stromal tumor. Also called: Gastrointestinal stromal tumor, somatic; Gastrointestinal stroma tumor. Identifiers: Orphanet 44890, MedGen C0238198, MeSH D046152, MONDO:0011719, OMIM 606764, HP:0100723.
Polyps, multiple and recurrent inflammatory fibroid, gastrointestinal. Identifiers: MedGen C5193005, MONDO:0008285, OMIM 175510.

Submissions (2):

Myriad Genetics, Inc.
Classification: Benign for Polyps, multiple and recurrent inflammatory fibroid, gastrointestinal. Last evaluated: 2026-06-16. Review status: criteria provided, single submitter. Criteria: Myriad Autosomal Dominant, Autosomal Recessive and X-Linked Classification Criteria (2023). Collection method: clinical testing. Allele origin: unknown.
Comment: This variant is considered benign. This variant is a silent/synonymous amino acid change and it is not expected to impact splicing.

Labcorp Genetics (formerly Invitae), Labcorp
Classification: Likely benign for Gastrointestinal stromal tumor. Last evaluated: 2022-02-19. Review status: criteria provided, single submitter. Criteria: Invitae Variant Classification Sherloc (09022015). Collection method: clinical testing. Allele origin: germline.